The following is an entry in ClinVar:

ClinVar aggregate classification (germline): Uncertain significance (1 of 4 stars; one submission).

Allele frequency attached by ClinVar (database versions not stated): gnomAD exomes below 0.00001; gnomAD 0.00001.
gnomAD v4.1: 6 of 1,555,238 alleles (0.00039%); highest among the groups gnomAD compares: South Asian, 0.0067%; no homozygotes.

Submission:

Labcorp Genetics (formerly Invitae), Labcorp
Classification: Uncertain significance. Last evaluated: 2022-08-20. Review status: criteria provided, single submitter. Criteria: Invitae Variant Classification Sherloc (09022015). Collection method: clinical testing. Allele origin: germline.
Comment: In summary, the available evidence is currently insufficient to determine the role of this variant in disease. Therefore, it has been classified as a Variant of Uncertain Significance. Algorithms developed to predict the effect of sequence changes on RNA splicing suggest that this variant may disrupt the consensus splice site. Algorithms developed to predict the effect of missense changes on protein structure and function are either unavailable or do not agree on the potential impact of this missense change (SIFT: "Not Available"; PolyPhen-2: "Benign"; Align-GVGD: "Not Available"). This variant has not been reported in the literature in individuals affected with HGF-related conditions. This variant is present in population databases (rs758790721, gnomAD 0.01%). This sequence change replaces arginine, which is basic and polar, with isoleucine, which is neutral and non-polar, at codon 35 of the HGF protein (p.Arg35Ile).

NM_000601.6(HGF):c.104G>T (p.Arg35Ile)

Gene: HGF (hepatocyte growth factor; minus strand). Cytogenetic location: 7q21.11.
Variant type: single nucleotide variant.
Coding change: c.104G>T on transcript NM_000601.6 (MANE Select); coding-DNA position 104, G replaced by T.
Protein change: p.Arg35Ile; replaces arginine 35 with isoleucine.
Molecular consequence: missense variant.
Genome position (GRCh38, 1-based): chr7:81,762,857, C>A on the plus strand (G>T on the coding strand, the complement: HGF is on the minus strand). VCF-style: chr7-81762857-C-A. GRCh37 (hg19) VCF-style: chr7-81392173-C-A.
Other names: c.104G>T, p.Arg35Ile (NM_001010931.3, NM_001010932.3, NM_001010933.3 and 1 more transcripts); short protein forms R35I.
Identifiers: ClinVar variation 1964954 (VCV001964954.5), dbSNP rs758790721, ClinGen allele CA4317278.